The following is an entry in ClinVar:

NM_015474.4(SAMHD1):c.1609-1G>C

Gene: SAMHD1 (SAM and HD domain containing deoxynucleoside triphosphate triphosphohydrolase 1; minus strand). Cytogenetic location: 20q11.23.
Variant type: single nucleotide variant.
Coding change: c.1609-1G>C on transcript NM_015474.4 (MANE Select); the canonical splice acceptor site of the intron before coding-DNA position 1609, G replaced by C.
Molecular consequence: splice acceptor variant.
Genome position (GRCh38, 1-based): chr20:36,897,960, C>G on the plus strand (G>C on the coding strand, the complement: SAMHD1 is on the minus strand). VCF-style: chr20-36897960-C-G. GRCh37 (hg19) VCF-style: chr20-35526363-C-G.
Other names: (Splice acceptor); IVS14AS, G-C, -1; c.1504-1G>C (NM_001363729.2); c.1609-1G>C (NM_001363733.2).
Identifiers: ClinVar variation 126409 (VCV000126409.11), dbSNP rs515726143, ClinGen allele CA345517.

ClinVar aggregate classification (germline): Likely pathogenic. Review status: criteria provided, single submitter (1 of 4 stars). 3 submissions from 3 submitters: Likely pathogenic (1). 2 of the submissions do not count toward it. Last evaluated 2025-09-02.

Conditions:
Aicardi-Goutieres syndrome 5. Identifiers: Orphanet 51, MedGen C2749659, MONDO:0013059, OMIM 612952.

Allele frequency attached by ClinVar (database versions not stated): gnomAD exomes below 0.00001; ExAC 0.00001.
gnomAD v4.1: 2 of 1,614,070 alleles (0.00012%); highest among the groups gnomAD compares: South Asian, 0.0022%; no homozygotes.

Submissions (3):

Labcorp Genetics (formerly Invitae), Labcorp
Classification: Likely pathogenic for Aicardi-Goutieres syndrome 5. Last evaluated: 2025-09-02. Review status: criteria provided, single submitter. Criteria: Invitae Variant Classification Sherloc (09022015). Collection method: clinical testing. Allele origin: germline.
Comment: This sequence change affects an acceptor splice site in intron 14 of the SAMHD1 gene. It is expected to disrupt RNA splicing. Variants that disrupt the donor or acceptor splice site typically lead to a loss of protein function (PMID: 16199547), and loss-of-function variants in SAMHD1 are known to be pathogenic (PMID: 19525956, 22461318). This variant is present in population databases (rs515726143, gnomAD 0.003%). Disruption of this splice site has been observed in individual(s) with Aicardi-Goutières syndrome (PMID: 19525956). ClinVar contains an entry for this variant (Variation ID: 126409). Studies have shown that disruption of this splice site is associated with inconclusive levels of altered splicing (PMID: 19525956). In summary, the currently available evidence indicates that the variant is pathogenic, but additional data are needed to prove that conclusively. Therefore, this variant has been classified as Likely Pathogenic.

OMIM
Classification: Pathogenic for AICARDI-GOUTIERES SYNDROME 5. Last evaluated: 2009-07-01. Review status: no assertion criteria provided. Collection method: literature only. Allele origin: germline. Not counted in ClinVar's aggregate classification.

GeneReviews
No classification provided. Condition: Aicardi-Goutieres syndrome 5. Review status: no classification provided. Collection method: literature only. Allele origin: germline. Affected: yes. Not counted in ClinVar's aggregate classification.

Literature cited by the submitters: PubMed 16199547 (cited by Labcorp Genetics (formerly Invitae), Labcorp); PubMed 19525956 (cited by Labcorp Genetics (formerly Invitae), Labcorp and OMIM); PubMed 22461318 (cited by Labcorp Genetics (formerly Invitae), Labcorp); NCBI Bookshelf NBK1475 (cited by GeneReviews).